The following is an entry in ClinVar:

NC_000005.10:g.112707408C>G

Gene: APC (APC regulator of Wnt signaling pathway; plus strand). Cytogenetic location: 5q22.2.
Variant type: single nucleotide variant.
Genome position: GRCh38 VCF-style: chr5-112707408-C-G. GRCh37 (hg19) VCF-style: chr5-112043105-C-G.
Other names: c.-310C>G (NM_001354897.2).
Identifiers: ClinVar variation 537685 (VCV000537685.10), dbSNP rs989021062, ClinGen allele CA124924626.
Genomic context (GRCh38, chr5:112,707,408, plus strand): 5'-AACTGAGACTCGGCTGCCTAGGCAGCAATGGCTCACGGGACAGAACAGCGAAGCAGTGCC[C>G]GGCAAGCGGAGCGCAGCACCCATTGCGCCTGCGCATAACAGGCTCTAGTCTCCGGGCTGT-3'

ClinVar aggregate classification (germline): Uncertain significance. Review status: criteria provided, multiple submitters, no conflicts (2 of 4 stars). 2 submissions from 2 submitters: Uncertain significance (2). Last evaluated 2025-11-26.

Conditions:
Familial adenomatous polyposis 1 (FAP1). Also called: FAMILIAL ADENOMATOUS POLYPOSIS 1, ATTENUATED; POLYPOSIS, ADENOMATOUS INTESTINAL. Identifiers: MedGen C2713442, MONDO:0021056, OMIM 175100. Disease mechanism: loss of function.

Allele frequency attached by ClinVar (database versions not stated): gnomAD 0.00001 and 0.00002; TOPMed 0.00004; gnomAD exomes 0.00002.

Submissions (2):

Labcorp Genetics (formerly Invitae), Labcorp
Classification: Uncertain significance for Familial adenomatous polyposis 1. Last evaluated: 2025-11-26. Review status: criteria provided, single submitter. Criteria: Invitae Variant Classification Sherloc (09022015). Collection method: clinical testing. Allele origin: germline.
Comment: This variant occurs in a non-coding region of the APC gene. It does not change the encoded amino acid sequence of the APC protein. This variant is not present in population databases (gnomAD no frequency). This variant has not been reported in the literature in individuals affected with APC-related conditions. ClinVar contains an entry for this variant (Variation ID: 537685). Experimental studies and prediction algorithms are not available or were not evaluated, and the functional significance of this variant is currently unknown. In summary, the available evidence is currently insufficient to determine the role of this variant in disease. Therefore, it has been classified as a Variant of Uncertain Significance.

Center for Genomic Medicine, Rigshospitalet, Copenhagen University Hospital
Classification: Uncertain significance. Last evaluated: 2025-03-04. Review status: criteria provided, single submitter. Criteria: ACMG Guidelines, 2015. Collection method: clinical testing. Allele origin: germline.